The following is an entry in ClinVar:

ClinVar aggregate classification (germline): Uncertain significance. Review status: criteria provided, multiple submitters, no conflicts (2 of 4 stars). 2 submissions from 2 submitters: Uncertain significance (2). Last evaluated 2025-07-10.

Conditions:
Inborn genetic diseases. Identifiers: MedGen C0950123, MeSH D030342.
Mosaic variegated aneuploidy syndrome 1 (MVA1). Also called: Warburton-Anyane-Yeboa syndrome. Identifiers: Orphanet 1052, MedGen C1850343, MONDO:0009759, OMIM 257300.

Allele frequency attached by ClinVar (database versions not stated): ExAC 0.00001; gnomAD 0.00001; gnomAD exomes 0.00001; TOPMed 0.00001; ESP Exome Variant Server 0.00008.
gnomAD v4.1: 14 of 1,613,030 alleles (0.00087%); highest among the groups gnomAD compares: South Asian, 0.0011%; no homozygotes.

Submissions (2):

Ambry Genetics
Classification: Uncertain significance for Inborn genetic diseases. Last evaluated: 2025-07-10. Review status: criteria provided, single submitter. Criteria: Ambry Variant Classification Scheme 2023. Collection method: clinical testing. Allele origin: germline.
Comment: The p.E813A variant (also known as c.2438A>C), located in coding exon 19 of the BUB1B gene, results from an A to C substitution at nucleotide position 2438. The glutamic acid at codon 813 is replaced by alanine, an amino acid with dissimilar properties. This amino acid position is conserved. In addition, this alteration is predicted to be tolerated by in silico analysis. Since supporting evidence is limited at this time, the clinical significance of this alteration remains unclear.

Labcorp Genetics (formerly Invitae), Labcorp
Classification: Uncertain significance for Mosaic variegated aneuploidy syndrome 1. Last evaluated: 2024-07-06. Review status: criteria provided, single submitter. Criteria: Invitae Variant Classification Sherloc (09022015). Collection method: clinical testing. Allele origin: germline.
Comment: This sequence change replaces glutamic acid, which is acidic and polar, with alanine, which is neutral and non-polar, at codon 813 of the BUB1B protein (p.Glu813Ala). This variant is not present in population databases (gnomAD no frequency). This variant has not been reported in the literature in individuals affected with BUB1B-related conditions. ClinVar contains an entry for this variant (Variation ID: 2565462). An algorithm developed to predict the effect of missense changes on protein structure and function (PolyPhen-2) suggests that this variant is likely to be disruptive. In summary, the available evidence is currently insufficient to determine the role of this variant in disease. Therefore, it has been classified as a Variant of Uncertain Significance.

NM_001211.6(BUB1B):c.2438A>C (p.Glu813Ala)

Gene: BUB1B (BUB1 mitotic checkpoint serine/threonine kinase B; plus strand). Cytogenetic location: 15q15.1.
Variant type: single nucleotide variant.
Coding change: c.2438A>C on transcript NM_001211.6 (MANE Select); coding-DNA position 2438, A replaced by C.
Protein change: p.Glu813Ala; replaces glutamic acid 813 with alanine.
Molecular consequence: missense variant.
Genome position (GRCh38, 1-based): chr15:40,212,551, A>C. VCF-style: chr15-40212551-A-C. GRCh37 (hg19) VCF-style: chr15-40504752-A-C.
Other names: short protein forms E813A.
Identifiers: ClinVar variation 2565462 (VCV002565462.5), dbSNP rs149955447, ClinGen allele CA7476047.